The following is an entry in ClinVar:

ClinVar aggregate classification (germline): Pathogenic (1 of 4 stars; one submission).

Conditions:
Cohen syndrome (COH1). Also called: PEPPER SYNDROME; Cutis verticis gyrata, retinitis pigmentosa, and sensorineural deafness. Identifiers: Orphanet 193, MedGen C0265223, MONDO:0008999, OMIM 216550.

Submission:

Labcorp Genetics (formerly Invitae), Labcorp
Classification: Pathogenic for Cohen syndrome. Last evaluated: 2023-04-16. Review status: criteria provided, single submitter. Criteria: Invitae Variant Classification Sherloc (09022015). Collection method: clinical testing. Allele origin: germline.
Comment: For these reasons, this variant has been classified as Pathogenic. This variant has not been reported in the literature in individuals affected with VPS13B-related conditions. This variant is not present in population databases (gnomAD no frequency). This sequence change creates a premature translational stop signal (p.Lys841*) in the VPS13B gene. It is expected to result in an absent or disrupted protein product. Loss-of-function variants in VPS13B are known to be pathogenic (PMID: 15141358, 16648375, 20461111).

Literature cited by the submitters: PubMed 15141358; PubMed 16648375; PubMed 20461111.

NM_152564.5(VPS13B):c.2521A>T (p.Lys841Ter)

Gene: VPS13B (vacuolar protein sorting 13 homolog B; plus strand). Cytogenetic location: 8q22.2.
Variant type: single nucleotide variant.
Coding change: c.2521A>T on transcript NM_152564.5 (MANE Select); coding-DNA position 2521, A replaced by T.
Protein change: p.Lys841Ter; replaces lysine 841 with a stop codon.
Molecular consequence: nonsense.
Genome position (GRCh38, 1-based): chr8:99,274,203, A>T. VCF-style: chr8-99274203-A-T. GRCh37 (hg19) VCF-style: chr8-100286431-A-T.
Other names: c.2521A>T, p.Lys841Ter (NM_017890.5); short protein forms K841*.
Identifiers: ClinVar variation 2856834 (VCV002856834.3), dbSNP rs2489222997, ClinGen allele CA371862102.
Genomic context (GRCh38, chr8:99,274,203, plus strand): 5'-TATAAAAATTATTTAAATTCAATCGGCTAGTACATTTGCAGTTTTCTTTTATTAGGTGTG[A>T]AATCTAAGAATCCCCTGCCAACTCTTGAGGGCTCAATCCAGAATGTTGAATTGAAGTACT-3'